The following is an entry in ClinVar:

ClinVar aggregate classification (germline): Likely benign. Review status: criteria provided, multiple submitters, no conflicts (2 of 4 stars). 2 submissions from 2 submitters: Likely benign (2). Last evaluated 2025-12-01.

Allele frequency attached by ClinVar (database versions not stated): gnomAD 0.00001; ExAC 0.00002; TOPMed 0.00002.
gnomAD v4.1: 31 of 1,613,836 alleles (0.0019%); highest among the groups gnomAD compares: East Asian, 0.0067%; no homozygotes.

Submissions (2):

CeGaT Center for Human Genetics Tuebingen
Classification: Likely benign. Last evaluated: 2025-12-01. Review status: criteria provided, single submitter. Criteria: CeGaT Center For Human Genetics Tuebingen Variant Classification Criteria Version 2. Collection method: clinical testing. Allele origin: germline. Affected: yes. Observed: 1 variant allele.
Comment: CACNA1B: BP4, BP7

Labcorp Genetics (formerly Invitae), Labcorp
Classification: Likely benign. Last evaluated: 2025-10-26. Review status: criteria provided, single submitter. Criteria: Invitae Variant Classification Sherloc (09022015). Collection method: clinical testing. Allele origin: germline.

NM_000718.4(CACNA1B):c.3357C>T (p.Ser1119=)

Genes: CACNA1B (calcium voltage-gated channel subunit alpha1 B; plus strand), LOC101928786 (uncharacterized LOC101928786; minus strand). Cytogenetic location: 9q34.3.
Variant type: single nucleotide variant.
Coding change: c.3357C>T on transcript NM_000718.4 (MANE Select); coding-DNA position 3357, C replaced by T.
Protein change: p.Ser1119=; no amino-acid change (serine 1119 retained).
Molecular consequence: synonymous variant.
Genome position (GRCh38, 1-based): chr9:138,043,844, C>T. VCF-style: chr9-138043844-C-T. GRCh37 (hg19) VCF-style: chr9-140938296-C-T.
Other names: c.3357C>T, p.Ser1119= (NM_001243812.2).
Identifiers: ClinVar variation 1923606 (VCV001923606.10), dbSNP rs200081614, ClinGen allele CA5376632.
Genomic context (GRCh38, chr9:138,043,844, plus strand): 5'-GGACCTGGAAAGCCAAGCAGAGGGGAAGAAGGAGGTGGAAGCGGATGACGTGATGAGGAG[C>T]GGCCCCCGGCCTATCGTCCCATACAGCTCCATGTTCTGTTTAAGCCCCACCAACCTGTGA-3'
Protein context (NP_000709.1, residues 1109-1129): KEVEADDVMR[Ser1119=]GPRPIVPYSS